The following is an entry in ClinVar:

NM_002474.3(MYH11):c.2334del (p.Glu779fs)

Gene: MYH11 (myosin heavy chain 11; minus strand). Cytogenetic location: 16p13.11.
Variant type: Deletion.
Coding change: c.2334del on transcript NM_002474.3 (MANE Select); coding-DNA position 2334, one base deleted (A; older notation c.2334delA).
Protein change: p.Glu779fs; shifts the reading frame from glutamic acid 779.
Molecular consequence: frameshift variant.
Genome position (GRCh38, 1-based): chr16:15,747,647, T deleted on the plus strand (A on the coding strand, the reverse complement: MYH11 is on the minus strand). VCF-style (leftmost placement, unchanged base first): chr16-15747646-CT-C. GRCh37 (hg19) VCF-style: chr16-15841503-CT-C.
Other names: c.2355del, p.Glu786fs (NM_001040113.2, NM_001040114.2); c.2334del, p.Glu779fs (NM_022844.3); short protein forms E786fs, E779fs.
Identifiers: ClinVar variation 2008795 (VCV002008795.4), dbSNP rs2506265794, ClinGen allele CA2580090752.

ClinVar aggregate classification (germline): Pathogenic (1 of 4 stars; one submission).

Conditions:
Aortic aneurysm, familial thoracic 4 (AAT4). Also called: AORTIC ANEURYSM/AORTIC DISSECTION AND PATENT DUCTUS ARTERIOSUS. Identifiers: MedGen C1851504, MONDO:0007568, OMIM 132900.

Submission:

Labcorp Genetics (formerly Invitae), Labcorp
Classification: Pathogenic for Aortic aneurysm, familial thoracic 4. Last evaluated: 2022-06-21. Review status: criteria provided, single submitter. Criteria: Invitae Variant Classification Sherloc (09022015). Collection method: clinical testing. Allele origin: germline.
Comment: This variant has not been reported in the literature in individuals affected with MYH11-related conditions. For these reasons, this variant has been classified as Pathogenic. This sequence change creates a premature translational stop signal (p.Glu786Argfs*6) in the MYH11 gene. It is expected to result in an absent or disrupted protein product. Loss-of-function variants in MYH11 are known to be pathogenic (PMID: 25407000, 29575632). This variant is not present in population databases (gnomAD no frequency).

Literature cited by the submitters: PubMed 25407000; PubMed 29575632.